The following is an entry in ClinVar:

ClinVar aggregate classification (germline): Benign (1 of 4 stars; one submission).

Conditions:
Pheochromocytoma/paraganglioma syndrome 5. Also called: Paragangliomas 5; SDHA-Related Hereditary Paraganglioma-Pheochromocytoma Syndrome. Identifiers: Orphanet 29072, MedGen C3279992, MONDO:0013602, OMIM 614165.

Submission:

Myriad Genetics, Inc.
Classification: Benign for Pheochromocytoma/paraganglioma syndrome 5. Last evaluated: 2025-03-10. Review status: criteria provided, single submitter. Criteria: Myriad Autosomal Dominant, Autosomal Recessive and X-Linked Classification Criteria (2023). Collection method: clinical testing. Allele origin: unknown.
Comment: This variant is considered benign. This variant is a silent/synonymous amino acid change and it is not expected to impact splicing.

NM_004168.4(SDHA):c.1488T>C (p.Leu496=)

Gene: SDHA (succinate dehydrogenase complex flavoprotein subunit A; plus strand). Cytogenetic location: 5p15.33.
Variant type: single nucleotide variant.
Coding change: c.1488T>C on transcript NM_004168.4 (MANE Select); coding-DNA position 1488, T replaced by C.
Protein change: p.Leu496=; no amino-acid change (leucine 496 retained).
Molecular consequence: synonymous variant.
Genome position (GRCh38, 1-based): chr5:240,413, T>C. VCF-style: chr5-240413-T-C. GRCh37 (hg19) VCF-style: chr5-240528-T-C.
Other names: c.1344T>C, p.Leu448= (NM_001294332.2); c.1488T>C, p.Leu496= (NM_001330758.2).
Identifiers: ClinVar variation 3904450 (VCV003904450.1).